The following is an entry in ClinVar:

ClinVar aggregate classification (germline): Uncertain significance (1 of 4 stars; one submission).

Conditions:
Early-infantile DEE. Also called: Early infantile epileptic encephalopathy; Early infantile epileptic encephalopathy with suppression bursts; Ohtahara syndrome. Identifiers: Orphanet 1934, MedGen C0393706, MONDO:0800491.

Submission:

Labcorp Genetics (formerly Invitae), Labcorp
Classification: Uncertain significance for Early-infantile DEE. Last evaluated: 2022-02-19. Review status: criteria provided, single submitter. Criteria: Invitae Variant Classification Sherloc (09022015). Collection method: clinical testing. Allele origin: germline.
Comment: In summary, the available evidence is currently insufficient to determine the role of this variant in disease. Therefore, it has been classified as a Variant of Uncertain Significance. Advanced modeling of protein sequence and biophysical properties (such as structural, functional, and spatial information, amino acid conservation, physicochemical variation, residue mobility, and thermodynamic stability) performed at Invitae indicates that this missense variant is expected to disrupt SCN1A protein function. This variant has not been reported in the literature in individuals affected with SCN1A-related conditions. This variant is not present in population databases (gnomAD no frequency). This sequence change replaces tyrosine, which is neutral and polar, with cysteine, which is neutral and slightly polar, at codon 362 of the SCN1A protein (p.Tyr362Cys).

NM_001165963.4(SCN1A):c.1085A>G (p.Tyr362Cys)

Gene: SCN1A (sodium voltage-gated channel alpha subunit 1; minus strand). Cytogenetic location: 2q24.3.
Variant type: single nucleotide variant.
Coding change: c.1085A>G on transcript NM_001165963.4 (MANE Select); coding-DNA position 1085, A replaced by G.
Protein change: p.Tyr362Cys; replaces tyrosine 362 with cysteine.
Molecular consequence: missense variant. On other transcripts: 5 prime UTR variant (1), non-coding transcript variant (1).
Genome position (GRCh38, 1-based): chr2:166,047,712, T>C on the plus strand (A>G on the coding strand, the complement: SCN1A is on the minus strand). VCF-style: chr2-166047712-T-C. GRCh37 (hg19) VCF-style: chr2-166904222-T-C.
Other names: c.1085A>G, p.Tyr362Cys (NM_001165964.3, NM_001202435.3, NM_001353948.2 and 10 more transcripts); c.-1341A>G (NM_001353961.2); short protein forms Y362C.
Identifiers: ClinVar variation 2099693 (VCV002099693.4), dbSNP rs2468189862, ClinGen allele CA349071288.